The following is an entry in ClinVar:

NM_014391.3(ANKRD1):c.*59A>G

Gene: ANKRD1 (ankyrin repeat domain 1; minus strand). Cytogenetic location: 10q23.31.
Variant type: single nucleotide variant.
Coding change: c.*59A>G on transcript NM_014391.3 (MANE Select); 59 bases downstream of the stop codon, A replaced by G.
Molecular consequence: 3 prime UTR variant.
Genome position (GRCh38, 1-based): chr10:90,912,807, T>C on the plus strand (A>G on the coding strand, the complement: ANKRD1 is on the minus strand). VCF-style: chr10-90912807-T-C. GRCh37 (hg19) VCF-style: chr10-92672564-T-C.
Identifiers: ClinVar variation 301603 (VCV000301603.8), dbSNP rs3939, ClinGen allele CA10636498.
Genomic context (GRCh38, chr10:90,912,807, plus strand): 5'-GTACATCTTCACAACACGTTGATAAATAGAAACTAGATTTTATGGCTAGTGTCTCTTCTC[T>C]TGGGCCATGCCTTCAAAATGCCAGTGAACATTTACTGATTAAGAGTCTGTCGTTTGCCTC-3'

ClinVar aggregate classification (germline): Benign. Review status: criteria provided, multiple submitters, no conflicts (2 of 4 stars). 3 submissions from 3 submitters: Benign (3). Last evaluated 2018-06-14.

Conditions:
Primary dilated cardiomyopathy (DCM). Also called: Dilated Cardiomyopathy. Identifiers: Orphanet 217604, MedGen C0007193, MeSH D002311, MONDO:0005021, HP:0001644. Inheritance: Various modes of inheritance.

Allele frequency attached by ClinVar (database versions not stated): gnomAD 0.38933 and 0.39140; 1000 Genomes Project 0.35423; TOPMed 0.38546; 1000 Genomes Project 30x 0.35525; gnomAD exomes 0.47340.
gnomAD v4.1: 677,349 of 1,458,726 alleles (46%); highest among the groups gnomAD compares: Non-Finnish European, 49%; 161,971 homozygotes.

Submissions (3):

GeneDx
Classification: Benign. Last evaluated: 2018-06-14. Review status: criteria provided, single submitter. Criteria: GeneDx Variant Classification Process June 2021. Collection method: clinical testing. Allele origin: germline. Affected: yes.

Illumina Laboratory Services, Illumina
Classification: Benign for Primary dilated cardiomyopathy. Last evaluated: 2018-01-13. Review status: criteria provided, single submitter. Criteria: ICSL Variant Classification Criteria 13 December 2019. Collection method: clinical testing. Allele origin: germline.
Comment: This variant was observed in the ICSL laboratory as part of a predisposition screen in an ostensibly healthy population. It had not been previously curated by ICSL or reported in the Human Gene Mutation Database (HGMD: prior to June 1st, 2018), and was therefore a candidate for classification through an automated scoring system. Utilizing variant allele frequency, disease prevalence and penetrance estimates, and inheritance mode, an automated score was calculated to assess if this variant is too frequent to cause the disease. Based on the score and internal cut-off values, a variant classified as benign is not then subjected to further curation. The score for this variant resulted in a classification of benign for this disease.

Breakthrough Genomics
Classification: Benign. Review status: criteria provided, single submitter. Criteria: ACMG Guidelines, 2015. Collection method: not provided. Allele origin: germline. Inheritance: Unknown mechanism. Affected: yes.